The following is an entry in ClinVar:

NM_000540.3(RYR1):c.14390T>C (p.Met4797Thr)

Gene: RYR1 (ryanodine receptor 1; plus strand). Cytogenetic location: 19q13.2.
Variant type: single nucleotide variant.
Coding change: c.14390T>C on transcript NM_000540.3 (MANE Select); coding-DNA position 14390, T replaced by C.
Protein change: p.Met4797Thr; replaces methionine 4797 with threonine.
Molecular consequence: missense variant.
Genome position (GRCh38, 1-based): chr19:38,580,007, T>C. VCF-style: chr19-38580007-T-C. GRCh37 (hg19) VCF-style: chr19-39070647-T-C.
Other names: c.14375T>C, p.Met4792Thr (NM_001042723.2); short protein forms M4792T, M4797T.
Identifiers: ClinVar variation 1408278 (VCV001408278.8), dbSNP rs991961585, ClinGen allele CA308121518.

ClinVar aggregate classification (germline): Uncertain significance. Review status: criteria provided, multiple submitters, no conflicts (2 of 4 stars). 2 submissions from 2 submitters: Uncertain significance (2). Last evaluated 2025-09-23.

Conditions:
Malignant hyperthermia, susceptibility to, 1 (MHS1). Also called: Anesthesia related hyperthermia; Malignant hyperpyrexia; Fulminating hyperpyrexia; Pharmacogenic myopathy; Malignant hyperthermia suceptibility 1; RYR1-Related Malignant Hyperthermia Susceptibility. Identifiers: Orphanet 423, MedGen C2930980, MONDO:0007783, OMIM 145600.
RYR1-related disorder. Also called: RYR1-related disorders; RYR1-related condition. Identifiers: MedGen CN239331.

Allele frequency attached by ClinVar (database versions not stated): gnomAD exomes below 0.00001 and 0.00001; TOPMed below 0.00001.
gnomAD v4.1: 2 of 1,614,142 alleles (0.00012%); highest among the groups gnomAD compares: Admixed American, 0.0033%; no homozygotes.

Submissions (2):

Labcorp Genetics (formerly Invitae), Labcorp
Classification: Uncertain significance for RYR1-related disorder. Last evaluated: 2025-09-23. Review status: criteria provided, single submitter. Criteria: Invitae Variant Classification Sherloc (09022015). Collection method: clinical testing. Allele origin: germline.
Comment: This sequence change replaces methionine, which is neutral and non-polar, with threonine, which is neutral and polar, at codon 4797 of the RYR1 protein (p.Met4797Thr). This variant is present in population databases (no rsID available, gnomAD 0.006%). This variant has not been reported in the literature in individuals affected with RYR1-related conditions. ClinVar contains an entry for this variant (Variation ID: 1408278). Invitae Evidence Modeling of protein sequence and biophysical properties (such as structural, functional, and spatial information, amino acid conservation, physicochemical variation, residue mobility, and thermodynamic stability) indicates that this missense variant is not expected to disrupt RYR1 protein function with a negative predictive value of 80%. In summary, the available evidence is currently insufficient to determine the role of this variant in disease. Therefore, it has been classified as a Variant of Uncertain Significance.

All of Us Research Program, National Institutes of Health
Classification: Uncertain significance for Malignant hyperthermia, susceptibility to, 1. Last evaluated: 2024-05-14. Review status: criteria provided, single submitter. Criteria: ACMG Guidelines, 2015. Collection method: clinical testing. Allele origin: germline. Inheritance: Autosomal dominant inheritance. Observed: 5 variant alleles, 5 heterozygotes.
Comment: This missense variant replaces methionine with threonine at codon 4797 of the RYR1 protein. Computational prediction is inconclusive regarding the impact of this variant on protein structure and function (internally defined REVEL score threshold 0.5 < inconclusive < 0.7, PMID: 27666373). To our knowledge, functional studies have not been reported for this variant. This variant has not been reported in individuals affected with RYR1-related disorders in the literature. This variant has been identified in 2/251476 chromosomes in the general population by the Genome Aggregation Database (gnomAD). The available evidence is insufficient to determine the role of this variant in disease conclusively. Therefore, this variant is classified as a Variant of Uncertain Significance.

This study involves interpretation of variants in research participants for the purpose of population health screening. Participant phenotype was not available at the time of variant classification. Additional details can be found in publication PMID: 35346344, PMCID: PMC8962531